The following is an entry in ClinVar:

NM_004525.3(LRP2):c.9426G>T (p.Lys3142Asn)

Gene: LRP2 (LDL receptor related protein 2; minus strand). Cytogenetic location: 2q31.1.
Variant type: single nucleotide variant.
Coding change: c.9426G>T on transcript NM_004525.3 (MANE Select); coding-DNA position 9426, G replaced by T.
Protein change: p.Lys3142Asn; replaces lysine 3142 with asparagine.
Molecular consequence: missense variant.
Genome position (GRCh38, 1-based): chr2:169,185,922, C>A on the plus strand (G>T on the coding strand, the complement: LRP2 is on the minus strand). VCF-style: chr2-169185922-C-A. GRCh37 (hg19) VCF-style: chr2-170042432-C-A.
Other names: short protein forms K3142N.
Identifiers: ClinVar variation 893759 (VCV000893759.9), dbSNP rs745450394, ClinGen allele CA1953577.

ClinVar aggregate classification (germline): Uncertain significance. Review status: criteria provided, multiple submitters, no conflicts (2 of 4 stars). 3 submissions from 3 submitters: Uncertain significance (3). Last evaluated 2024-05-01.

Conditions:
Donnai-Barrow syndrome. Also called: DBS/FOAR SYNDROME; FACIOOCULOACOUSTICORENAL SYNDROME. Identifiers: Orphanet 2143, MedGen C1857277, MONDO:0009104, OMIM 222448.

Allele frequency attached by ClinVar (database versions not stated): ExAC 0.00002; gnomAD exomes 0.00002 and 0.00004; gnomAD 0.00003; TOPMed 0.00003.
gnomAD v4.1: 63 of 1,613,838 alleles (0.0039%); highest among the groups gnomAD compares: Non-Finnish European, 0.0052%; no homozygotes.

Submissions (3):

Fulgent Genetics
Classification: Uncertain significance for Donnai-Barrow syndrome. Last evaluated: 2024-05-01. Review status: criteria provided, single submitter. Criteria: ACMG Guidelines, 2015. Collection method: clinical testing. Allele origin: germline.

Labcorp Genetics (formerly Invitae), Labcorp
Classification: Uncertain significance. Last evaluated: 2022-10-05. Review status: criteria provided, single submitter. Criteria: Invitae Variant Classification Sherloc (09022015). Collection method: clinical testing. Allele origin: germline.
Comment: This sequence change replaces lysine, which is basic and polar, with asparagine, which is neutral and polar, at codon 3142 of the LRP2 protein (p.Lys3142Asn). This variant is present in population databases (rs745450394, gnomAD 0.004%). This variant has not been reported in the literature in individuals affected with LRP2-related conditions. ClinVar contains an entry for this variant (Variation ID: 893759). Algorithms developed to predict the effect of missense changes on protein structure and function are either unavailable or do not agree on the potential impact of this missense change (SIFT: "Deleterious"; PolyPhen-2: "Possibly Damaging"; Align-GVGD: "Class C0"). In summary, the available evidence is currently insufficient to determine the role of this variant in disease. Therefore, it has been classified as a Variant of Uncertain Significance.

Illumina Laboratory Services, Illumina
Classification: Uncertain significance for Donnai-Barrow syndrome. Last evaluated: 2018-01-13. Review status: criteria provided, single submitter. Criteria: ICSL Variant Classification Criteria 13 December 2019. Collection method: clinical testing. Allele origin: germline.